The following is an entry in ClinVar:

NM_001130438.3(SPTAN1):c.3121A>G (p.Ser1041Gly)

Gene: SPTAN1 (spectrin alpha, non-erythrocytic 1; plus strand). Cytogenetic location: 9q34.11.
Variant type: single nucleotide variant.
Coding change: c.3121A>G on transcript NM_001130438.3 (MANE Select); coding-DNA position 3121, A replaced by G.
Protein change: p.Ser1041Gly; replaces serine 1041 with glycine.
Molecular consequence: missense variant.
Genome position (GRCh38, 1-based): chr9:128,591,591, A>G. VCF-style: chr9-128591591-A-G. GRCh37 (hg19) VCF-style: chr9-131353870-A-G.
Other names: c.3121A>G, p.Ser1041Gly (NM_001195532.2, NM_001363759.2, NM_001363765.2 and 5 more transcripts); c.3157A>G, p.Ser1053Gly (NM_001375312.2, NM_001375318.1); short protein forms S1041G, S1053G.
Identifiers: ClinVar variation 1348186 (VCV001348186.9), dbSNP rs2131319338, ClinGen allele CA375060527.

ClinVar aggregate classification (germline): Uncertain significance (1 of 4 stars; one submission).

Conditions:
Early-infantile DEE. Also called: Early infantile epileptic encephalopathy; Early infantile epileptic encephalopathy with suppression bursts; Ohtahara syndrome. Identifiers: Orphanet 1934, MedGen C0393706, MONDO:0800491.

Submission:

Labcorp Genetics (formerly Invitae), Labcorp
Classification: Uncertain significance for Early-infantile DEE. Last evaluated: 2022-01-15. Review status: criteria provided, single submitter. Criteria: Invitae Variant Classification Sherloc (09022015). Collection method: clinical testing. Allele origin: germline.
Comment: This variant is not present in population databases (gnomAD no frequency). This sequence change replaces serine, which is neutral and polar, with glycine, which is neutral and non-polar, at codon 1041 of the SPTAN1 protein (p.Ser1041Gly). This variant has not been reported in the literature in individuals affected with SPTAN1-related conditions. Algorithms developed to predict the effect of missense changes on protein structure and function (SIFT, PolyPhen-2, Align-GVGD) all suggest that this variant is likely to be disruptive. In summary, the available evidence is currently insufficient to determine the role of this variant in disease. Therefore, it has been classified as a Variant of Uncertain Significance.